The following is an entry in ClinVar:

ClinVar aggregate classification (germline): Uncertain significance (1 of 4 stars; one submission).

Conditions:
Dilated cardiomyopathy 1DD (CMD1DD). Identifiers: Orphanet 154, MedGen C2750995, MONDO:0013168, OMIM 613172.

Submission:

Labcorp Genetics (formerly Invitae), Labcorp
Classification: Uncertain significance for Dilated cardiomyopathy 1DD. Last evaluated: 2022-05-03. Review status: criteria provided, single submitter. Criteria: Invitae Variant Classification Sherloc (09022015). Collection method: clinical testing. Allele origin: germline.
Comment: In summary, the available evidence is currently insufficient to determine the role of this variant in disease. Therefore, it has been classified as a Variant of Uncertain Significance. Advanced modeling of protein sequence and biophysical properties (such as structural, functional, and spatial information, amino acid conservation, physicochemical variation, residue mobility, and thermodynamic stability) performed at Invitae indicates that this missense variant is not expected to disrupt RBM20 protein function. This variant has not been reported in the literature in individuals affected with RBM20-related conditions. This variant is not present in population databases (gnomAD no frequency). This sequence change replaces lysine, which is basic and polar, with threonine, which is neutral and polar, at codon 305 of the RBM20 protein (p.Lys305Thr).

NM_001134363.3(RBM20):c.914A>C (p.Lys305Thr)

Gene: RBM20 (RNA binding motif protein 20; plus strand). Cytogenetic location: 10q25.2.
Variant type: single nucleotide variant.
Coding change: c.914A>C on transcript NM_001134363.3 (MANE Select); coding-DNA position 914, A replaced by C.
Protein change: p.Lys305Thr; replaces lysine 305 with threonine.
Molecular consequence: missense variant.
Genome position (GRCh38, 1-based): chr10:110,781,523, A>C. VCF-style: chr10-110781523-A-C. GRCh37 (hg19) VCF-style: chr10-112541281-A-C.
Other names: short protein forms K305T.
Identifiers: ClinVar variation 2132729 (VCV002132729.4), dbSNP rs2493412363, ClinGen allele CA378384554.